The following is an entry in ClinVar:

NM_015981.4(CAMK2A):c.681C>T (p.Ala227=)

Gene: CAMK2A (calcium/calmodulin dependent protein kinase II alpha; minus strand). Cytogenetic location: 5q32.
Variant type: single nucleotide variant.
Coding change: c.681C>T on transcript NM_015981.4 (MANE Select); coding-DNA position 681, C replaced by T.
Protein change: p.Ala227=; no amino-acid change (alanine 227 retained).
Molecular consequence: synonymous variant.
Genome position (GRCh38, 1-based): chr5:150,251,762, G>A on the plus strand (C>T on the coding strand, the complement: CAMK2A is on the minus strand). VCF-style: chr5-150251762-G-A. GRCh37 (hg19) VCF-style: chr5-149631325-G-A.
Other names: c.681C>T, p.Ala227= (NM_001363989.1, NM_001363990.1, NM_001369025.2 and 1 more transcripts).
Identifiers: ClinVar variation 2655922 (VCV002655922.24), dbSNP rs201482484, ClinGen allele CA3509785.

ClinVar aggregate classification (germline): Likely benign (1 of 4 stars; one submission).

Allele frequency attached by ClinVar (database versions not stated): gnomAD exomes 0.00015; ESP Exome Variant Server 0.00024; TOPMed 0.00008; ExAC 0.00009; gnomAD 0.00011.
gnomAD v4.1: 237 of 1,605,692 alleles (0.015%); highest among the groups gnomAD compares: Non-Finnish European, 0.019%; no homozygotes.

Submission:

CeGaT Center for Human Genetics Tuebingen
Classification: Likely benign. Last evaluated: 2022-05-01. Review status: criteria provided, single submitter. Criteria: CeGaT Center For Human Genetics Tuebingen Variant Classification Criteria Version 2. Collection method: clinical testing. Allele origin: germline. Affected: yes. Observed: 1 variant allele.
Comment: CAMK2A: BP4, BP7